The following is an entry in ClinVar:

NM_206933.4(USH2A):c.1645-1G>C

Gene: USH2A (usherin; minus strand). Cytogenetic location: 1q41.
Variant type: single nucleotide variant.
Coding change: c.1645-1G>C on transcript NM_206933.4 (MANE Select); the canonical splice acceptor site of the intron before coding-DNA position 1645, G replaced by C.
Molecular consequence: splice acceptor variant.
Genome position (GRCh38, 1-based): chr1:216,292,371, C>G on the plus strand (G>C on the coding strand, the complement: USH2A is on the minus strand). VCF-style: chr1-216292371-C-G. GRCh37 (hg19) VCF-style: chr1-216465713-C-G.
Other names: c.1645-1G>C (NM_007123.6).
Identifiers: ClinVar variation 4817106 (VCV004817106.1).
Genomic context (GRCh38, chr1:216,292,371, plus strand): 5'-GTAAACTTGATCACCTTGGCGGAAAGGCTTGTCATTATAAAGAGGCAAGCAGCGATCACA[C>G]TAGAACAAAAAATATCAGAACAGTAAAGAAAATAAAGCTGTGATTTTCTTTCATTTTATT-3'

ClinVar aggregate classification (germline): Pathogenic (1 of 4 stars; one submission).

Conditions:
Usher syndrome type 2A. Also called: RETINAL DISEASE IN USHER SYNDROME TYPE IIA, MODIFIER OF; USHER SYNDROME, TYPE IIA. Identifiers: Orphanet 231178, Orphanet 886, MedGen C1848634, MONDO:0010169, OMIM 276901.

Submission:

Natera, Inc.
Classification: Pathogenic for Usher syndrome type 2A. Last evaluated: 2025-07-11. Review status: criteria provided, single submitter. Criteria: Natera Variant Classification Schema (03/2026). Collection method: clinical testing. Allele origin: germline.
Comment: The c.1645-1G>C variant in USH2A is a canonical splice acceptor site variant predicted to affect pre-mRNA splicing, which may result in an abnormal transcript and altered protein product. This variant is expected to result in nonsense mediated decay, truncation, or a dysfunctional protein product. This variant is rare in the general population with a frequency below the threshold expected for the associated phenotype(s). This variant has been observed in one or more individuals affected with the associated recessive disease, as either homozygous or compound heterozygous with a second variant (PMID: 29625443). Given the available evidence, this variant is classified as Pathogenic.

Literature cited by the submitters: PubMed 29625443.